The following is an entry in ClinVar:

ClinVar aggregate classification (germline): Benign/Likely benign. Review status: criteria provided, multiple submitters, no conflicts (2 of 4 stars). 2 submissions from 2 submitters: Benign (1); Likely benign (1). Last evaluated 2026-05-06.

Conditions:
Colorectal cancer, hereditary nonpolyposis, type 7. Identifiers: Orphanet 144, MedGen C1858380, MONDO:0013725, OMIM 614385.

Submissions (2):

Myriad Genetics, Inc.
Classification: Benign for Colorectal cancer, hereditary nonpolyposis, type 7. Last evaluated: 2026-05-06. Review status: criteria provided, single submitter. Criteria: Myriad Autosomal Dominant, Autosomal Recessive and X-Linked Classification Criteria (2023). Collection method: clinical testing. Allele origin: unknown.
Comment: This variant is considered benign. This variant is a silent/synonymous amino acid change and it is not expected to impact splicing.

Ambry Genetics
Classification: Likely benign. Last evaluated: 2026-04-04. Review status: criteria provided, single submitter. Criteria: Ambry Variant Classification Scheme 2023. Collection method: clinical testing. Allele origin: germline.

NM_001040108.2(MLH3):c.4095C>T (p.Ala1365=)

Gene: MLH3 (mutL homolog 3; minus strand). Cytogenetic location: 14q24.3.
Variant type: single nucleotide variant.
Coding change: c.4095C>T on transcript NM_001040108.2 (MANE Select); coding-DNA position 4095, C replaced by T.
Protein change: p.Ala1365=; no amino-acid change (alanine 1365 retained).
Molecular consequence: synonymous variant.
Genome position (GRCh38, 1-based): chr14:75,018,976, G>A on the plus strand (C>T on the coding strand, the complement: MLH3 is on the minus strand). VCF-style: chr14-75018976-G-A. GRCh37 (hg19) VCF-style: chr14-75485679-G-A.
Other names: c.4023C>T, p.Ala1341= (NM_014381.3).
Identifiers: ClinVar variation 4860132 (VCV004860132.2).